The following is an entry in ClinVar:

ClinVar aggregate classification (germline): Uncertain significance. Review status: criteria provided, multiple submitters, no conflicts (2 of 4 stars). 3 submissions from 3 submitters: Uncertain significance (3). Last evaluated 2025-04-11.

Conditions:
Hereditary cancer-predisposing syndrome. Also called: Neoplastic Syndromes, Hereditary; Hereditary Cancer Syndrome; Hereditary neoplastic syndrome; Tumor predisposition. Identifiers: Orphanet 140162, MedGen C0027672, MeSH D009386, MONDO:0015356.
Pheochromocytoma/paraganglioma syndrome 4. Also called: SDHB-Related Hereditary Paraganglioma-Pheochromocytoma Syndrome (Paragangliomas 4); SDHB-Related Hereditary Paraganglioma-Pheochromocytoma Syndrome; Paragangliomas 4; CAROTID BODY TUMORS AND MULTIPLE EXTRAADRENAL PHEOCHROMOCYTOMAS; PARAGANGLIOMA, FAMILIAL MALIGNANT; PARAGANGLIOMAS, HEREDITARY EXTRAADRENAL. Identifiers: Orphanet 29072, MedGen C1861848, MONDO:0007273, OMIM 115310.
Gastrointestinal stromal tumor. Also called: Gastrointestinal stromal tumor, somatic; Gastrointestinal stroma tumor. Identifiers: Orphanet 44890, MedGen C0238198, MeSH D046152, MONDO:0011719, OMIM 606764, HP:0100723.
Pheochromocytoma. Also called: MAX-Related Hereditary Paraganglioma-Pheochromocytoma Syndrome. Identifiers: Orphanet 29072, MedGen C0031511, MONDO:0008233, OMIM 171300, HP:0002666.

Allele frequency attached by ClinVar (database versions not stated): TOPMed 0.00002.
gnomAD v4.1: 1 of 1,613,814 alleles (0.000062%); highest among the groups gnomAD compares: Non-Finnish European, 0.000085%; no homozygotes.

Submissions (3):

Labcorp Genetics (formerly Invitae), Labcorp
Classification: Uncertain significance for Gastrointestinal stromal tumor; Pheochromocytoma/paraganglioma syndrome 4; Pheochromocytoma. Last evaluated: 2025-04-11. Review status: criteria provided, single submitter. Criteria: Invitae Variant Classification Sherloc (09022015). Collection method: clinical testing. Allele origin: germline.
Comment: This sequence change replaces alanine, which is neutral and non-polar, with glycine, which is neutral and non-polar, at codon 34 of the SDHB protein (p.Ala34Gly). This variant is not present in population databases (gnomAD no frequency). This variant has not been reported in the literature in individuals affected with SDHB-related conditions. ClinVar contains an entry for this variant (Variation ID: 818274). Invitae Evidence Modeling of protein sequence and biophysical properties (such as structural, functional, and spatial information, amino acid conservation, physicochemical variation, residue mobility, and thermodynamic stability) indicates that this missense variant is not expected to disrupt SDHB protein function with a negative predictive value of 95%. In summary, the available evidence is currently insufficient to determine the role of this variant in disease. Therefore, it has been classified as a Variant of Uncertain Significance.

Baylor Genetics
Classification: Uncertain significance for Gastrointestinal stromal tumor. Last evaluated: 2023-11-10. Review status: criteria provided, single submitter. Criteria: ACMG Guidelines, 2015. Collection method: clinical testing. Allele origin: unknown.

Ambry Genetics
Classification: Uncertain significance for Hereditary cancer-predisposing syndrome. Last evaluated: 2019-03-08. Review status: criteria provided, single submitter. Criteria: Ambry Variant Classification Scheme 2023. Collection method: clinical testing. Allele origin: germline.
Comment: The p.A34G variant (also known as c.101C>G), located in coding exon 2 of the SDHB gene, results from a C to G substitution at nucleotide position 101. The alanine at codon 34 is replaced by glycine, an amino acid with similar properties. This amino acid position is well conserved in available vertebrate species. In addition, the in silico prediction for this alteration is inconclusive. Since supporting evidence is limited at this time, the clinical significance of this alteration remains unclear.

NM_003000.3(SDHB):c.101C>G (p.Ala34Gly)

Gene: SDHB (succinate dehydrogenase complex iron sulfur subunit B; minus strand). Cytogenetic location: 1p36.13.
Variant type: single nucleotide variant.
Coding change: c.101C>G on transcript NM_003000.3 (MANE Select); coding-DNA position 101, C replaced by G.
Protein change: p.Ala34Gly; replaces alanine 34 with glycine.
Molecular consequence: missense variant.
Genome position (GRCh38, 1-based): chr1:17,044,860, G>C on the plus strand (C>G on the coding strand, the complement: SDHB is on the minus strand). VCF-style: chr1-17044860-G-C. GRCh37 (hg19) VCF-style: chr1-17371355-G-C.
Other names: short protein forms A34G.
Identifiers: ClinVar variation 818274 (VCV000818274.8), dbSNP rs867908217, ClinGen allele CA338228313.